The following is an entry in ClinVar:

ClinVar aggregate classification (germline): Uncertain significance (1 of 4 stars; one submission).

Submission:

Dasa
Classification: Uncertain significance. Last evaluated: 2026-01-13. Review status: criteria provided, single submitter. Criteria: DASA Assertion Criteria. Collection method: clinical testing. Allele origin: germline.
Comment: NM_001363823.2(SPAST):c.417A>C (p.Gly139=) is a synonymous variant predicted not to alter the encoded amino acid sequence. This variant is rare in population databases. Computational prediction algorithms are consistent with a benign effect. The currently available literature and clinical evidence are not sufficient to establish a definitive association between this variant and the reported condition. Therefore, this variant is classified as a variant of uncertain significance.

NM_014946.4(SPAST):c.420A>C (p.Gly140=)

Gene: SPAST (spastin; plus strand). Cytogenetic location: 2p22.3.
Variant type: single nucleotide variant.
Coding change: c.420A>C on transcript NM_014946.4 (MANE Select); coding-DNA position 420, A replaced by C.
Protein change: p.Gly140=; no amino-acid change (glycine 140 retained).
Molecular consequence: synonymous variant.
Genome position (GRCh38, 1-based): chr2:32,087,496, A>C. VCF-style: chr2-32087496-A-C. GRCh37 (hg19) VCF-style: chr2-32312565-A-C.
Other names: c.417A>C, p.Gly139= (NM_001363823.2, NM_001363875.2); c.420A>C, p.Gly140= (NM_001377959.1, NM_199436.2).
Identifiers: ClinVar variation 4881956 (VCV004881956.2).